The following is an entry in ClinVar:

ClinVar aggregate classification (germline): Benign/Likely benign. Review status: criteria provided, multiple submitters, no conflicts (2 of 4 stars). 2 submissions from 2 submitters: Benign (1); Likely benign (1). Last evaluated 2024-07-30.

Conditions:
Familial cancer of breast. Also called: hereditary breast carcinoma; BREAST CANCER, FAMILIAL; Hereditary breast cancer. Identifiers: Orphanet 227535, MedGen C0346153, MONDO:0016419, OMIM 114480. Disease mechanism: loss of function.

Submissions (2):

Myriad Genetics, Inc.
Classification: Benign for Familial cancer of breast. Last evaluated: 2024-07-30. Review status: criteria provided, single submitter. Criteria: Myriad Autosomal Dominant, Autosomal Recessive and X-Linked Classification Criteria (2023). Collection method: clinical testing. Allele origin: unknown.
Comment: This variant is considered benign. This variant is a silent/synonymous amino acid change and it is not expected to impact splicing.

Labcorp Genetics (formerly Invitae), Labcorp
Classification: Likely benign for Familial cancer of breast. Last evaluated: 2022-08-21. Review status: criteria provided, single submitter. Criteria: Invitae Variant Classification Sherloc (09022015). Collection method: clinical testing. Allele origin: germline.

NM_000465.4(BARD1):c.2154T>C (p.Asn718=)

Gene: BARD1 (BRCA1 associated RING domain 1; minus strand). Cytogenetic location: 2q35.
Variant type: single nucleotide variant.
Coding change: c.2154T>C on transcript NM_000465.4 (MANE Select); coding-DNA position 2154, T replaced by C.
Protein change: p.Asn718=; no amino-acid change (asparagine 718 retained).
Molecular consequence: synonymous variant. On other transcripts: non-coding transcript variant (3).
Genome position (GRCh38, 1-based): chr2:214,728,856, A>G on the plus strand (T>C on the coding strand, the complement: BARD1 is on the minus strand). VCF-style: chr2-214728856-A-G. GRCh37 (hg19) VCF-style: chr2-215593580-A-G.
Other names: c.2097T>C, p.Asn699= (NM_001282543.2); c.801T>C, p.Asn267= (NM_001282545.2); c.744T>C, p.Asn248= (NM_001282548.2); c.615T>C, p.Asn205= (NM_001282549.2).
Identifiers: ClinVar variation 2025735 (VCV002025735.5), dbSNP rs2469269683, ClinGen allele CA431393463.
Genomic context (GRCh38, chr2:214,728,856, plus strand): 5'-GATGATATACTGTGTGCAGAAGCGCTGATCAGAATCGGGTCTCGCATGGTATGCGACTGT[A>G]TTGATGGTCTGAGTCACGTCACTGTCTGGCTTGGGCTTTCTACTGAGGATCTGGCCCCCA-3'
Protein context (NP_000456.2, residues 708-728): KPDSDVTQTI[Asn718=]TVAYHARPDS